The following is an entry in ClinVar:

ClinVar aggregate classification (germline): Likely benign. Review status: criteria provided, multiple submitters, no conflicts (2 of 4 stars). 3 submissions from 3 submitters: Likely benign (2). 1 of the submissions does not count toward it. Last evaluated 2025-10-02.

Conditions:
ARHGAP31-related disorder. Also called: ARHGAP31-related condition.

Allele frequency attached by ClinVar (database versions not stated): gnomAD exomes 0.00001; TOPMed 0.00002; gnomAD 0.00003.
gnomAD v4.1: 24 of 1,614,116 alleles (0.0015%); highest among the groups gnomAD compares: Middle Eastern, 0.016%; no homozygotes.

Submissions (3):

Labcorp Genetics (formerly Invitae), Labcorp
Classification: Likely benign. Last evaluated: 2025-10-02. Review status: criteria provided, single submitter. Criteria: Invitae Variant Classification Sherloc (09022015). Collection method: clinical testing. Allele origin: germline.

Blueprint Genetics
Classification: Likely benign. Last evaluated: 2020-11-12. Review status: criteria provided, single submitter. Criteria: ACMG Guidelines, 2015. Collection method: clinical testing. Allele origin: germline.

PreventionGenetics, part of Exact Sciences
Classification: Likely benign for ARHGAP31-related condition. Last evaluated: 2019-06-10. Review status: no assertion criteria provided. Collection method: clinical testing. Allele origin: germline. Not counted in ClinVar's aggregate classification.
Comment: This variant is classified as likely benign based on ACMG/AMP sequence variant interpretation guidelines (Richards et al. 2015 PMID: 25741868, with internal and published modifications).

NM_020754.4(ARHGAP31):c.1539G>A (p.Pro513=)

Gene: ARHGAP31 (Rho GTPase activating protein 31; plus strand). Cytogenetic location: 3q13.33.
Variant type: single nucleotide variant.
Coding change: c.1539G>A on transcript NM_020754.4 (MANE Select); coding-DNA position 1539, G replaced by A.
Protein change: p.Pro513=; no amino-acid change (proline 513 retained).
Molecular consequence: synonymous variant.
Genome position (GRCh38, 1-based): chr3:119,402,291, G>A. VCF-style: chr3-119402291-G-A. GRCh37 (hg19) VCF-style: chr3-119121138-G-A.
Other names: c.1539G>A (NM_020754.3).
Identifiers: ClinVar variation 1915735 (VCV001915735.7), dbSNP rs753289468, ClinGen allele CA2553841.